The following is an entry in ClinVar:

ClinVar aggregate classification (germline): Benign (0 of 4 stars; one submission).

Conditions:
MUC16-related disorder. Also called: MUC16-related condition.

Submission:

PreventionGenetics, part of Exact Sciences
Classification: Benign for MUC16-related condition. Last evaluated: 2019-06-06. Review status: no assertion criteria provided. Collection method: clinical testing. Allele origin: germline.
Comment: This variant is classified as benign based on ACMG/AMP sequence variant interpretation guidelines (Richards et al. 2015 PMID: 25741868, with internal and published modifications).

NM_001401501.2(MUC16):c.37924-7_37924-3del

Gene: MUC16 (mucin 16, cell surface associated; minus strand). Cytogenetic location: 19p13.2.
Variant type: Deletion.
Coding change: c.37924-7_37924-3del on transcript NM_001401501.2 (MANE Select); 7 bases into the intron before coding-DNA position 37924 through 3 bases into the intron before coding-DNA position 37924, 5 bases deleted (TCTAC; older notation c.37924-7_37924-3delTCTAC).
Molecular consequence: intron variant.
Genome position (GRCh38, 1-based): chr19:8,907,527-8,907,531, GTAGA deleted on the plus strand (TCTAC on the coding strand, the reverse complement: MUC16 is on the minus strand); deleting any 5 consecutive bases within chr19:8,907,527-8,907,532 gives the same sequence; the c. name uses the placement nearest the transcript's 3' end. VCF-style (leftmost placement, unchanged base first): chr19-8907526-TGTAGA-T. GRCh37 (hg19) VCF-style: chr19-9018202-TGTAGA-T.
Other names: c.38350-7_38350-3del (NM_001414686.1); c.37804-7_37804-3del (NM_001414687.1); c.37738-7_37738-3del (NM_024690.2); c.37738-7_37738-3del5 (NM_024690.2).
Identifiers: ClinVar variation 3039280 (VCV003039280.2), dbSNP rs143697754, ClinGen allele CA9164956.